The following is an entry in ClinVar:

NM_000238.4(KCNH2):c.961G>T (p.Asp321Tyr)

Gene: KCNH2 (potassium voltage-gated channel subfamily H member 2; minus strand). Cytogenetic location: 7q36.1.
Variant type: single nucleotide variant.
Coding change: c.961G>T on transcript NM_000238.4 (MANE Select); coding-DNA position 961, G replaced by T.
Protein change: p.Asp321Tyr; replaces aspartic acid 321 with tyrosine.
Molecular consequence: missense variant.
Genome position (GRCh38, 1-based): chr7:150,957,458, C>A on the plus strand (G>T on the coding strand, the complement: KCNH2 is on the minus strand). VCF-style: chr7-150957458-C-A. GRCh37 (hg19) VCF-style: chr7-150654546-C-A.
Other names: c.673G>T, p.Asp225Tyr (NM_001406753.1, NM_001406756.1); c.784G>T, p.Asp262Tyr (NM_001406755.1); c.661G>T, p.Asp221Tyr (NM_001406757.1); c.961G>T, p.Asp321Tyr (NM_172056.3); c.961G>T (NM_000238.2); short protein forms D321Y, D221Y, D262Y, D225Y.
Identifiers: ClinVar variation 359312 (VCV000359312.11), dbSNP rs886062089, ClinGen allele CA10625503.

ClinVar aggregate classification (germline): Uncertain significance. Review status: criteria provided, multiple submitters, no conflicts (2 of 4 stars). 3 submissions from 3 submitters: Uncertain significance (3). Last evaluated 2023-10-22.

Conditions:
Long QT syndrome 2 (LQT2). Identifiers: Orphanet 101016, Orphanet 768, MedGen C3150943, MONDO:0013367, OMIM 613688.
Long QT syndrome (LQTS). Identifiers: MedGen C0023976, MeSH D008133, MONDO:0002442. Disease mechanism: loss of function. Inheritance: Various modes of inheritance.

Allele frequency attached by ClinVar (database versions not stated): TOPMed below 0.00001; gnomAD exomes 0.00001.
gnomAD v4.1: 2 of 1,614,126 alleles (0.00012%); highest among the groups gnomAD compares: Admixed American, 0.0033%; no homozygotes.

Submissions (3):

Labcorp Genetics (formerly Invitae), Labcorp
Classification: Uncertain significance for Long QT syndrome. Last evaluated: 2023-10-22. Review status: criteria provided, single submitter. Criteria: Invitae Variant Classification Sherloc (09022015). Collection method: clinical testing. Allele origin: germline.
Comment: This sequence change replaces aspartic acid, which is acidic and polar, with tyrosine, which is neutral and polar, at codon 321 of the KCNH2 protein (p.Asp321Tyr). This variant is present in population databases (no rsID available, gnomAD 0.006%). This variant has not been reported in the literature in individuals affected with KCNH2-related conditions. ClinVar contains an entry for this variant (Variation ID: 359312). An algorithm developed to predict the effect of missense changes on protein structure and function (PolyPhen-2) suggests that this variant is likely to be disruptive. In summary, the available evidence is currently insufficient to determine the role of this variant in disease. Therefore, it has been classified as a Variant of Uncertain Significance.

GeneDx
Classification: Uncertain significance. Last evaluated: 2019-03-04. Review status: criteria provided, single submitter. Criteria: GeneDx Variant Classification Process June 2021. Collection method: clinical testing. Allele origin: germline. Affected: yes.
Comment: Has not been previously published as pathogenic or benign to our knowledge; Not observed at a significant frequency in large population cohorts (Lek et al., 2016); In silico analysis, which includes protein predictors and evolutionary conservation, supports a deleterious effect

Illumina Laboratory Services, Illumina
Classification: Uncertain significance for Long QT syndrome 2. Last evaluated: 2018-01-13. Review status: criteria provided, single submitter. Criteria: ICSL Variant Classification Criteria 13 December 2019. Collection method: clinical testing. Allele origin: germline.